The following is an entry in ClinVar:

NC_000002.12:g.239950992C>A

Gene: NDUFA10 (NADH:ubiquinone oxidoreductase subunit A10; minus strand). Cytogenetic location: 2q37.3.
Variant type: single nucleotide variant.
Genome position: GRCh38 VCF-style: chr2-239950992-C-A. GRCh37 (hg19) VCF-style: chr2-240890409-C-A.
Identifiers: ClinVar variation 3389426 (VCV003389426.14).
Genomic context (GRCh38, chr2:239,950,992, plus strand): 5'-GTCAGCGTCCCACTGGCCACCTGCTGGCCAGGGCTTCCAGTACGTTCCGCTTCAGCCCCT[C>A]GTTCCTTTGTCAGGTAGTTGCTGAGCCTGGAAGGAGTGCAGAAGGGCCCTGCTTCAGAGG-3'

ClinVar aggregate classification (germline): Likely benign (1 of 4 stars; one submission).

gnomAD v4.1: 369 of 152,356 alleles (0.24%); highest among the groups gnomAD compares: Admixed American, 0.52%; 1 homozygote.

Submission:

CeGaT Center for Human Genetics Tuebingen
Classification: Likely benign. Last evaluated: 2025-10-01. Review status: criteria provided, single submitter. Criteria: CeGaT Center For Human Genetics Tuebingen Variant Classification Criteria Version 2. Collection method: clinical testing. Allele origin: germline. Affected: yes. Observed: 2 variant alleles.
Comment: NDUFA10: BP4, BP7